The following is an entry in ClinVar:

ClinVar aggregate classification (germline): Conflicting classifications of pathogenicity. Review status: criteria provided, conflicting classifications (1 of 4 stars). 3 submissions from 3 submitters: Likely pathogenic (1); Uncertain significance (1). 1 of the submissions does not count toward it. Last evaluated 2025-11-17.

Conditions:
Nemaline myopathy. Also called: Myopathies, Nemaline. Identifiers: Orphanet 607, MedGen C0206157, MONDO:0018958.
Nemaline myopathy 2 (NEM2). Also called: Nemaline myopathy 2, autosomal recessive. Identifiers: MedGen C1850569, MONDO:0009725, OMIM 256030.

Allele frequency attached by ClinVar (database versions not stated): gnomAD 0.00001; ExAC 0.00001; gnomAD exomes below 0.00001; TOPMed 0.00001.

Submissions (3):

Labcorp Genetics (formerly Invitae), Labcorp
Classification: Likely pathogenic for Nemaline myopathy 2. Last evaluated: 2025-11-17. Review status: criteria provided, single submitter. Criteria: Invitae Variant Classification Sherloc (09022015). Collection method: clinical testing. Allele origin: germline.
Comment: This variant results in the deletion of part of exon 148 (c.21841-13_21848del) of the NEB gene. It is expected to disrupt RNA splicing. Variants that disrupt the donor or acceptor splice site typically lead to a loss of protein function (PMID: 16199547), and loss-of-function variants in NEB are known to be pathogenic (PMID: 25205138). This variant is present in population databases (rs767772838, gnomAD 0.0009%). This variant has not been reported in the literature in individuals affected with NEB-related conditions. ClinVar contains an entry for this variant (Variation ID: 554313). In summary, the currently available evidence indicates that the variant is pathogenic, but additional data are needed to prove that conclusively. Therefore, this variant has been classified as Likely Pathogenic.

Broad Center for Mendelian Genomics, Broad Institute of MIT and Harvard
Classification: Uncertain significance for Nemaline myopathy. Last evaluated: 2025-03-03. Review status: criteria provided, single submitter. Criteria: ACMG Guidelines, 2015. Collection method: curation. Allele origin: germline. Inheritance: Autosomal recessive inheritance.
Comment: The c.21736-13_21743del variant in NEB has not been previously reported in the literature in individuals with nemaline myopathy, but has been identified in 0.0009% (1/1178614) of European (non-Finnish) chromosomes by the Genome Aggregation Database (gnomAD; dbSNP ID: rs767772838). Although this variant has been seen in the general population in a heterozygous state, its frequency is low enough to be consistent with a recessive carrier frequency. This variant has also been reported in ClinVar (Variation ID: 554313) and has been interpreted as likely pathogenic by Counsyl. This variant is located in the 5' splice region. Computational tools predict a splicing impact, though this information is not predictive enough to determine pathogenicity. There is an in-frame cryptic splice site 3 bases from the intron-exon boundary, providing evidence that this variant may delete one amino acid instead of causing loss of function. However, this information is not predictive enough to determine pathogenicity. Loss of function of the NEB gene is an established disease mechanism in autosomal recessive nemaline myopathy. In summary, the clinical significance of the c.21736-13_21743del variant is uncertain. ACMG/AMP Criteria applied: PVS1_moderate, PM2_supporting (Richards 2015).

Counsyl
Classification: Likely pathogenic for Nemaline myopathy 2. Last evaluated: 2017-10-16. Review status: no assertion criteria provided. Collection method: clinical testing. Allele origin: unknown. Not counted in ClinVar's aggregate classification.

Literature cited by the submitters: PubMed 16199547 (cited by Labcorp Genetics (formerly Invitae), Labcorp); PubMed 25205138 (cited by Labcorp Genetics (formerly Invitae), Labcorp).

NM_001164508.2(NEB):c.21736-13_21743del

Genes: RIF1 (replication timing regulatory factor 1; plus strand), NEB (nebulin; minus strand). Cytogenetic location: 2q23.3.
Variant type: Deletion.
Coding change: c.21736-13_21743del on transcript NM_001164508.2 (MANE Select); 13 bases into the intron before coding-DNA position 21736 through coding-DNA position 21743, 21 bases deleted (CTGTTAAAAACAGCTGGACTA).
Molecular consequence: splice acceptor variant.
Genome position (GRCh38, 1-based): chr2:151,527,578-151,527,598, TAGTCCAGCTGTTTTTAACAG deleted on the plus strand (CTGTTAAAAACAGCTGGACTA on the coding strand, the reverse complement: NEB is on the minus strand). VCF-style (leftmost placement, unchanged base first): chr2-151527577-ATAGTCCAGCTGTTTTTAACAG-A. GRCh37 (hg19) VCF-style: chr2-152384091-ATAGTCCAGCTGTTTTTAACAG-A.
Other names: c.16633-13_16640del (NM_004543.5); c.21736-13_21743del (NM_001164507.2); c.21841-13_21848del (NM_001271208.2); c.21841-13_21848del21 (NM_001271208.1).
Identifiers: ClinVar variation 554313 (VCV000554313.6), dbSNP rs767772838, ClinGen allele CA1906887.